The following is an entry in ClinVar:

NM_182493.3(MYLK3):c.1487C>G (p.Pro496Arg)

Gene: MYLK3 (myosin light chain kinase 3; minus strand). Cytogenetic location: 16q11.2.
Variant type: single nucleotide variant.
Coding change: c.1487C>G on transcript NM_182493.3 (MANE Select); coding-DNA position 1487, C replaced by G.
Protein change: p.Pro496Arg; replaces proline 496 with arginine.
Molecular consequence: missense variant.
Genome position (GRCh38, 1-based): chr16:46,730,674, G>C on the plus strand (C>G on the coding strand, the complement: MYLK3 is on the minus strand). VCF-style: chr16-46730674-G-C. GRCh37 (hg19) VCF-style: chr16-46764586-G-C.
Other names: c.464C>G, p.Pro155Arg (NM_001308301.1); short protein forms P496R, P155R.
Identifiers: ClinVar variation 3687421 (VCV003687421.2).

ClinVar aggregate classification (germline): Uncertain significance (1 of 4 stars; one submission).

Submission:

Labcorp Genetics (formerly Invitae), Labcorp
Classification: Uncertain significance. Last evaluated: 2024-07-30. Review status: criteria provided, single submitter. Criteria: Invitae Variant Classification Sherloc (09022015). Collection method: clinical testing. Allele origin: germline.
Comment: This sequence change replaces proline, which is neutral and non-polar, with arginine, which is basic and polar, at codon 496 of the MYLK3 protein (p.Pro496Arg). This variant is not present in population databases (gnomAD no frequency). This variant has not been reported in the literature in individuals affected with MYLK3-related conditions. An algorithm developed to predict the effect of missense changes on protein structure and function (PolyPhen-2) suggests that this variant is likely to be disruptive. In summary, the available evidence is currently insufficient to determine the role of this variant in disease. Therefore, it has been classified as a Variant of Uncertain Significance.